The following is an entry in ClinVar:

NM_138694.4(PKHD1):c.6935C>A (p.Ser2312Tyr)

Gene: PKHD1 (PKHD1 ciliary IPT domain containing fibrocystin/polyductin; minus strand). Cytogenetic location: 6p12.2.
Variant type: single nucleotide variant.
Coding change: c.6935C>A on transcript NM_138694.4 (MANE Select); coding-DNA position 6935, C replaced by A.
Protein change: p.Ser2312Tyr; replaces serine 2312 with tyrosine.
Molecular consequence: missense variant.
Genome position (GRCh38, 1-based): chr6:51,903,658, G>T on the plus strand (C>A on the coding strand, the complement: PKHD1 is on the minus strand). VCF-style: chr6-51903658-G-T. GRCh37 (hg19) VCF-style: chr6-51768456-G-T.
Other names: c.6935C>A, p.Ser2312Tyr (NM_170724.3); short protein forms S2312Y.
Identifiers: ClinVar variation 4996844 (VCV004996844.1).

ClinVar aggregate classification (germline): Uncertain significance (1 of 4 stars; one submission).

Conditions:
PKHD1-related disorder. Also called: PKHD1-related condition.

Submission:

PreventionGenetics, part of Exact Sciences
Classification: Uncertain significance for PKHD1-related condition. Last evaluated: 2025-07-28. Review status: criteria provided, single submitter. Criteria: ACMG Guidelines, 2015. Collection method: clinical testing. Allele origin: germline.
Comment: The PKHD1 c.6935C>A variant is predicted to result in the amino acid substitution p.Ser2312Tyr. To our knowledge, this variant has not been reported in the literature or in a large population database (gnomAD), indicating this variant is rare. At this time, the clinical significance of this variant is uncertain due to the absence of conclusive functional and genetic evidence.